The following is an entry in ClinVar:

ClinVar aggregate classification (germline): Uncertain significance (1 of 4 stars; one submission).

Conditions:
Neurodegeneration with brain iron accumulation 5 (NBIA5). Also called: Beta-propeller protein-associated neurodegeneration; STATIC ENCEPHALOPATHY OF CHILDHOOD WITH NEURODEGENERATION IN ADULTHOOD. Identifiers: Orphanet 329284, MedGen C3550973, MONDO:0010476, OMIM 300894.

Submission:

Labcorp Genetics (formerly Invitae), Labcorp
Classification: Uncertain significance for Neurodegeneration with brain iron accumulation 5. Last evaluated: 2025-01-13. Review status: criteria provided, single submitter. Criteria: Invitae Variant Classification Sherloc (09022015). Collection method: clinical testing. Allele origin: germline.
Comment: This sequence change replaces aspartic acid, which is acidic and polar, with glutamic acid, which is acidic and polar, at codon 131 of the WDR45 protein (p.Asp131Glu). This variant is present in population databases (rs782434987, gnomAD 0.008%). This variant has not been reported in the literature in individuals affected with WDR45-related conditions. Invitae Evidence Modeling of protein sequence and biophysical properties (such as structural, functional, and spatial information, amino acid conservation, physicochemical variation, residue mobility, and thermodynamic stability) indicates that this missense variant is not expected to disrupt WDR45 protein function with a negative predictive value of 80%. In summary, the available evidence is currently insufficient to determine the role of this variant in disease. Therefore, it has been classified as a Variant of Uncertain Significance.

NM_001029896.2(WDR45):c.390C>A (p.Asp130Glu)

Gene: WDR45 (WD repeat domain 45; minus strand). Cytogenetic location: Xp11.23.
Variant type: single nucleotide variant.
Coding change: c.390C>A on transcript NM_001029896.2 (MANE Select); coding-DNA position 390, C replaced by A.
Protein change: p.Asp130Glu; replaces aspartic acid 130 with glutamic acid.
Molecular consequence: missense variant.
Genome position (GRCh38, 1-based): chrX:49,076,476, G>T on the plus strand (C>A on the coding strand, the complement: WDR45 is on the minus strand). VCF-style: chrX-49076476-G-T. GRCh37 (hg19) VCF-style: chrX-48934135-G-T.
Other names: c.393C>A, p.Asp131Glu (NM_007075.4); short protein forms D130E, D131E.
Identifiers: ClinVar variation 3691405 (VCV003691405.2).
Genomic context (GRCh38, chrX:49,076,476, plus strand): 5'-CTGAGCCCTCTCACCCTTGGGGTTGTCCCGGGTATCAAACTCAAACAGCTTTCGGGGATT[G>T]TCGGGGAAGGAGTACACATAGATGCGGTTCTTCAGCACGATCACGATCCTGTGGGTATCA-3'
Protein context (NP_001025067.1, residues 120-140): KNRIYVYSFP[Asp130Glu]NPRKLFEFDT